The following is an entry in ClinVar:

NM_001256447.2(BCAP31):c.218ATG[2] (p.Asp75del)

Gene: BCAP31 (B cell receptor associated protein 31; minus strand). Cytogenetic location: Xq28.
Variant type: Microsatellite.
Coding change: c.218ATG[2] on transcript NM_001256447.2 (MANE Select); two copies in a row of the 3-base unit ATG starting at c.218; the reference has three copies in a row; one copy, 3 bases deleted.
Protein change: p.Asp75del; deletes aspartic acid 75.
Genome position (GRCh38, 1-based): chrX:153,715,657-153,715,659, CAT deleted on the plus strand (ATG on the coding strand, the reverse complement: BCAP31 is on the minus strand); deleting any 3 consecutive bases within chrX:153,715,657-153,715,665 gives the same sequence; the position shown is the placement nearest the transcript's 3' end. VCF-style (leftmost placement, unchanged base first): chrX-153715656-ACAT-A. GRCh37 (hg19) VCF-style: chrX-152981111-ACAT-A.
Other names: c.218ATG[2], p.Asp75del (NM_001139441.1, NM_005745.8); c.419ATG[2], p.Asp142del (NM_001139457.2); c.224_226del (NM_001139441.1); short protein forms D142del, D75del.
Identifiers: ClinVar variation 3901496 (VCV003901496.1).

ClinVar aggregate classification (germline): Uncertain significance (1 of 4 stars; one submission).

Submission:

GeneDx
Classification: Uncertain significance. Last evaluated: 2024-12-06. Review status: criteria provided, single submitter. Criteria: GeneDx Variant Classification Process June 2021. Collection method: clinical testing. Allele origin: germline. Affected: yes.
Comment: Not observed at significant frequency in large population cohorts (gnomAD); In-frame deletion of 1 amino acid(s) in a non-repeat region; In silico analysis supports a deleterious effect on protein structure/function; Has not been previously published as pathogenic or benign to our knowledge